The following is an entry in ClinVar:

ClinVar aggregate classification (germline): Uncertain significance (1 of 4 stars; one submission).

Allele frequency attached by ClinVar (database versions not stated): gnomAD exomes below 0.00001 and 0.00001; TOPMed below 0.00001; gnomAD 0.00001.
gnomAD v4.1: 9 of 1,609,280 alleles (0.00056%); highest among the groups gnomAD compares: Admixed American, 0.0017%; no homozygotes.

Submission:

Labcorp Genetics (formerly Invitae), Labcorp
Classification: Uncertain significance. Last evaluated: 2022-11-22. Review status: criteria provided, single submitter. Criteria: Invitae Variant Classification Sherloc (09022015). Collection method: clinical testing. Allele origin: germline.
Comment: This variant is present in population databases (rs528893908, gnomAD 0.0009%). This variant has not been reported in the literature in individuals affected with RELB-related conditions. ClinVar contains an entry for this variant (Variation ID: 1479889). Algorithms developed to predict the effect of missense changes on protein structure and function are either unavailable or do not agree on the potential impact of this missense change (SIFT: "Deleterious"; PolyPhen-2: "Possibly Damaging"; Align-GVGD: "Class C0"). In summary, the available evidence is currently insufficient to determine the role of this variant in disease. Therefore, it has been classified as a Variant of Uncertain Significance. This sequence change replaces serine, which is neutral and polar, with phenylalanine, which is neutral and non-polar, at codon 472 of the RELB protein (p.Ser472Phe).

NM_006509.4(RELB):c.1415C>T (p.Ser472Phe)

Gene: RELB (RELB proto-oncogene, NF-kB subunit; plus strand). Cytogenetic location: 19q13.32.
Variant type: single nucleotide variant.
Coding change: c.1415C>T on transcript NM_006509.4 (MANE Select); coding-DNA position 1415, C replaced by T.
Protein change: p.Ser472Phe; replaces serine 472 with phenylalanine.
Molecular consequence: missense variant.
Genome position (GRCh38, 1-based): chr19:45,037,465, C>T. VCF-style: chr19-45037465-C-T. GRCh37 (hg19) VCF-style: chr19-45540723-C-T.
Other names: short protein forms S472F.
Identifiers: ClinVar variation 1479889 (VCV001479889.6), dbSNP rs528893908, ClinGen allele CA308906544.
Genomic context (GRCh38, chr19:45,037,465, plus strand): 5'-GCCCGTTCCTCCCGCCGTCAGCCCTGCTGCCAGACCCTGACTTCTTCTCTGGCACCGTGT[C>T]CCTGCCCGGCCTGGAGCCCCCTGGCGGGCCTGACCTCCTGGACGATGGCTTTGCCTACGA-3'
Protein context (NP_006500.2, residues 462-482): PDPDFFSGTV[Ser472Phe]LPGLEPPGGP